The following is an entry in ClinVar:

NM_001375524.1(TRRAP):c.8206A>G (p.Thr2736Ala)

Gene: TRRAP (transformation/transcription domain associated protein; plus strand). Cytogenetic location: 7q22.1.
Variant type: single nucleotide variant.
Coding change: c.8206A>G on transcript NM_001375524.1 (MANE Select); coding-DNA position 8206, A replaced by G.
Protein change: p.Thr2736Ala; replaces threonine 2736 with alanine.
Molecular consequence: missense variant.
Genome position (GRCh38, 1-based): chr7:98,976,729, A>G. VCF-style: chr7-98976729-A-G. GRCh37 (hg19) VCF-style: chr7-98574352-A-G.
Other names: c.8185A>G, p.Thr2729Ala (NM_001244580.2); c.8131A>G, p.Thr2711Ala (NM_003496.4); short protein forms T2711A, T2729A, T2736A.
Identifiers: ClinVar variation 1310558 (VCV001310558.6), dbSNP rs1792676160, ClinGen allele CA368303950.

ClinVar aggregate classification (germline): Uncertain significance. Review status: criteria provided, multiple submitters, no conflicts (2 of 4 stars). 2 submissions from 2 submitters: Uncertain significance (2). Last evaluated 2022-11-15.

Allele frequency attached by ClinVar (database versions not stated): gnomAD exomes below 0.00001; TOPMed below 0.00001.

Submissions (2):

Labcorp Genetics (formerly Invitae), Labcorp
Classification: Uncertain significance. Last evaluated: 2022-11-15. Review status: criteria provided, single submitter. Criteria: Invitae Variant Classification Sherloc (09022015). Collection method: clinical testing. Allele origin: germline.
Comment: ClinVar contains an entry for this variant (Variation ID: 1310558). This variant has not been reported in the literature in individuals affected with TRRAP-related conditions. This variant is not present in population databases (gnomAD no frequency). This sequence change replaces threonine, which is neutral and polar, with alanine, which is neutral and non-polar, at codon 2711 of the TRRAP protein (p.Thr2711Ala). Algorithms developed to predict the effect of missense changes on protein structure and function output the following: SIFT: "Tolerated"; PolyPhen-2: "Benign"; Align-GVGD: "Class C0". The alanine amino acid residue is found in multiple mammalian species, which suggests that this missense change does not adversely affect protein function. In summary, the available evidence is currently insufficient to determine the role of this variant in disease. Therefore, it has been classified as a Variant of Uncertain Significance.

GeneDx
Classification: Uncertain significance. Last evaluated: 2019-11-27. Review status: criteria provided, single submitter. Criteria: GeneDx Variant Classification Process June 2021. Collection method: clinical testing. Allele origin: germline. Affected: yes.
Comment: Not observed in large population cohorts (Lek et al., 2016); In silico analysis, which includes protein predictors and evolutionary conservation, supports that this variant does not alter protein structure/function; Has not been previously published as pathogenic or benign to our knowledge